The following is an entry in ClinVar:

ClinVar aggregate classification (germline): Uncertain significance. Review status: criteria provided, multiple submitters, no conflicts (2 of 4 stars). 3 submissions from 3 submitters: Uncertain significance (3). Last evaluated 2023-04-11.

Conditions:
Immunodeficiency, common variable, 7. Identifiers: Orphanet 1572, Orphanet 696894, MedGen C3542922, MONDO:0013862, OMIM 614699.

Allele frequency attached by ClinVar (database versions not stated): gnomAD exomes below 0.00001.
gnomAD v4.1: 1 of 1,614,002 alleles (0.000062%); highest among the groups gnomAD compares: Non-Finnish European, 0.000085%; no homozygotes.

Submissions (3):

Genome-Nilou Lab
Classification: Uncertain significance for Immunodeficiency, common variable, 7. Last evaluated: 2023-04-11. Review status: criteria provided, single submitter. Criteria: ACMG Guidelines, 2015. Collection method: clinical testing. Allele origin: germline. Affected: no.

Labcorp Genetics (formerly Invitae), Labcorp
Classification: Uncertain significance for Immunodeficiency, common variable, 7. Last evaluated: 2022-08-31. Review status: criteria provided, single submitter. Criteria: Invitae Variant Classification Sherloc (09022015). Collection method: clinical testing. Allele origin: germline.
Comment: This sequence change replaces aspartic acid, which is acidic and polar, with histidine, which is basic and polar, at codon 328 of the CR2 protein (p.Asp328His). This variant is not present in population databases (gnomAD no frequency). This variant has not been reported in the literature in individuals affected with CR2-related conditions. ClinVar contains an entry for this variant (Variation ID: 955797). Algorithms developed to predict the effect of missense changes on protein structure and function are either unavailable or do not agree on the potential impact of this missense change (SIFT: "Tolerated"; PolyPhen-2: "Probably Damaging"; Align-GVGD: "Class C0"). In summary, the available evidence is currently insufficient to determine the role of this variant in disease. Therefore, it has been classified as a Variant of Uncertain Significance.

Baylor Genetics
Classification: Uncertain significance for Immunodeficiency, common variable, 7. Last evaluated: 2018-06-15. Review status: criteria provided, single submitter. Criteria: ACMG Guidelines, 2015. Collection method: clinical testing. Allele origin: paternal. Affected: yes.
Comment: This variant was determined to be of uncertain significance according to ACMG Guidelines, 2015 [PMID:25741868].

NM_001006658.3(CR2):c.982G>C (p.Asp328His)

Genes: CR2 (complement C3d receptor 2; plus strand), LOC126805994 (BRD4-independent group 4 enhancer GRCh37_chr1:207642622-207643821; plus strand). Cytogenetic location: 1q32.2.
Variant type: single nucleotide variant.
Coding change: c.982G>C on transcript NM_001006658.3 (MANE Select); coding-DNA position 982, G replaced by C.
Protein change: p.Asp328His; replaces aspartic acid 328 with histidine.
Molecular consequence: missense variant.
Genome position (GRCh38, 1-based): chr1:207,469,859, G>C. VCF-style: chr1-207469859-G-C. GRCh37 (hg19) VCF-style: chr1-207643204-G-C.
Other names: c.982G>C, p.Asp328His (NM_001877.5); short protein forms D328H.
Identifiers: ClinVar variation 955797 (VCV000955797.9), dbSNP rs1658214194, ClinGen allele CA344528660.